The following is an entry in ClinVar:

NM_001267550.2(TTN):c.28351A>G (p.Ser9451Gly)

Gene: TTN (titin; minus strand). Cytogenetic location: 2q31.2.
Variant type: single nucleotide variant.
Coding change: c.28351A>G on transcript NM_001267550.2 (MANE Select); coding-DNA position 28351, A replaced by G.
Protein change: p.Ser9451Gly; replaces serine 9451 with glycine.
Molecular consequence: missense variant. On other transcripts: intron variant (3).
Genome position (GRCh38, 1-based): chr2:178,710,746, T>C on the plus strand (A>G on the coding strand, the complement: TTN is on the minus strand). VCF-style: chr2-178710746-T-C. GRCh37 (hg19) VCF-style: chr2-179575473-T-C.
Other names: c.27400A>G, p.Ser9134Gly (NM_001256850.1); c.24619A>G, p.Ser8207Gly (NM_133378.4); c.13282+27336A>G (NM_003319.4); c.13858+27336A>G (NM_133437.4); c.13657+27336A>G (NM_133432.3); short protein forms S8207G, S9134G, S9451G.
Identifiers: ClinVar variation 3764235 (VCV003764235.1).

ClinVar aggregate classification (germline): Uncertain significance (1 of 4 stars; one submission).

Submission:

GeneDx
Classification: Uncertain significance. Last evaluated: 2024-08-14. Review status: criteria provided, single submitter. Criteria: GeneDx Variant Classification Process June 2021. Collection method: clinical testing. Allele origin: germline. Affected: yes.
Comment: Not observed at significant frequency in large population cohorts (gnomAD); Missense variant in a gene in which most reported pathogenic variants are truncating/loss of function; Has not been previously published as pathogenic or benign to our knowledge.